The following is an entry in ClinVar:

NM_198428.3(BBS9):c.1596G>C (p.Lys532Asn)

Gene: BBS9 (Bardet-Biedl syndrome 9; plus strand). Cytogenetic location: 7p14.3.
Variant type: single nucleotide variant.
Coding change: c.1596G>C on transcript NM_198428.3 (MANE Select); coding-DNA position 1596, G replaced by C.
Protein change: p.Lys532Asn; replaces lysine 532 with asparagine.
Molecular consequence: missense variant. On other transcripts: non-coding transcript variant (3).
Genome position (GRCh38, 1-based): chr7:33,357,898, G>C. VCF-style: chr7-33357898-G-C. GRCh37 (hg19) VCF-style: chr7-33397510-G-C.
Other names: c.1596G>C (NM_198428.2); c.1491G>C, p.Lys497Asn (NM_001033604.2); c.1581G>C, p.Lys527Asn (NM_001033605.2); c.1596G>C, p.Lys532Asn (NM_001348036.1, NM_001348041.4, NM_001348043.3 and 3 more transcripts); c.1230G>C, p.Lys410Asn (NM_001348037.3, NM_001348045.3, NM_001348046.3); c.1323G>C, p.Lys441Asn (NM_001348038.3); c.1218G>C, p.Lys406Asn (NM_001348039.3); c.1476G>C, p.Lys492Asn (NM_001348040.3, NM_014451.4); and 2 more; short protein forms K375N, K441N, K532N, K406N, K497N, K527N, K410N, K487N.
Identifiers: ClinVar variation 1941580 (VCV001941580.4), dbSNP rs768727577, ClinGen allele CA4214442.

ClinVar aggregate classification (germline): Uncertain significance. Review status: criteria provided, single submitter (1 of 4 stars). 2 submissions from 2 submitters: Uncertain significance (1). 1 of the submissions does not count toward it. Last evaluated 2022-08-12.

Conditions:
BBS9-related disorder. Also called: BBS9-related condition.
Bardet-Biedl syndrome (BBS). Identifiers: Orphanet 110, MedGen C0752166, MONDO:0015229.

Allele frequency attached by ClinVar (database versions not stated): gnomAD 0.00001; ExAC 0.00002.
gnomAD v4.1: 1 of 1,611,794 alleles (0.000062%); highest among the groups gnomAD compares: Admixed American, 0.0017%; no homozygotes.

Submissions (2):

Labcorp Genetics (formerly Invitae), Labcorp
Classification: Uncertain significance for Bardet-Biedl syndrome. Last evaluated: 2022-08-12. Review status: criteria provided, single submitter. Criteria: Invitae Variant Classification Sherloc (09022015). Collection method: clinical testing. Allele origin: germline.
Comment: This sequence change replaces lysine, which is basic and polar, with asparagine, which is neutral and polar, at codon 532 of the BBS9 protein (p.Lys532Asn). This variant is present in population databases (rs768727577, gnomAD 0.003%). This variant has not been reported in the literature in individuals affected with BBS9-related conditions. Algorithms developed to predict the effect of missense changes on protein structure and function output the following: SIFT: "Deleterious"; PolyPhen-2: "Benign"; Align-GVGD: "Class C0". The asparagine amino acid residue is found in multiple mammalian species, which suggests that this missense change does not adversely affect protein function. In summary, the available evidence is currently insufficient to determine the role of this variant in disease. Therefore, it has been classified as a Variant of Uncertain Significance.

PreventionGenetics, part of Exact Sciences
Classification: Uncertain significance for BBS9-related condition. Last evaluated: 2023-11-02. Review status: no assertion criteria provided. Collection method: clinical testing. Allele origin: germline. Not counted in ClinVar's aggregate classification.
Comment: The BBS9 c.1596G>C variant is predicted to result in the amino acid substitution p.Lys532Asn. To our knowledge, this variant has not been reported in the literature. This variant is reported in 0.0033% of alleles in individuals of South Asian descent in gnomAD. At this time, the clinical significance of this variant is uncertain due to the absence of conclusive functional and genetic evidence.